The following is an entry in ClinVar:

NM_014476.6(PDLIM3):c.398+18T>A

Genes: PDLIM3 (PDZ and LIM domain 3; minus strand), LOC126807246 (BRD4-independent group 4 enhancer GRCh37_chr4:186434842-186436041; plus strand). Cytogenetic location: 4q35.1.
Variant type: single nucleotide variant.
Coding change: c.398+18T>A on transcript NM_014476.6 (MANE Select); 18 bases into the intron after coding-DNA position 398, T replaced by A.
Molecular consequence: intron variant.
Genome position (GRCh38, 1-based): chr4:185,514,252, A>T on the plus strand (T>A on the coding strand, the complement: PDLIM3 is on the minus strand). VCF-style: chr4-185514252-A-T. GRCh37 (hg19) VCF-style: chr4-186435406-A-T.
Other names: c.161+18T>A (NM_001257963.2); c.398+18T>A (NM_001257962.2); c.518+451T>A (NM_001114107.5).
Identifiers: ClinVar variation 381046 (VCV000381046.1), dbSNP rs1057520940, ClinGen allele CA16604721.

ClinVar aggregate classification (germline): Likely benign (1 of 4 stars; one submission).

Allele frequency attached by ClinVar (database versions not stated): gnomAD exomes below 0.00001.
gnomAD v4.1: 4 of 1,614,260 alleles (0.00025%); highest among the groups gnomAD compares: Non-Finnish European, 0.00034%; no homozygotes.

Submission:

GeneDx
Classification: Likely benign. Last evaluated: 2015-10-29. Review status: criteria provided, single submitter. Criteria: GeneDx Variant Classification (06012015). Collection method: clinical testing. Allele origin: germline. Affected: yes.
Comment: This variant is considered likely benign or benign based on one or more of the following criteria: it is a conservative change, it occurs at a poorly conserved position in the protein, it is predicted to be benign by multiple in silico algorithms, and/or has population frequency not consistent with disease.